The following is an entry in ClinVar:

ClinVar aggregate classification (germline): Uncertain significance. Review status: criteria provided, multiple submitters, no conflicts (2 of 4 stars). 3 submissions from 3 submitters: Uncertain significance (3). Last evaluated 2025-09-25.

Conditions:
Inborn genetic diseases. Identifiers: MedGen C0950123, MeSH D030342.
Nephrotic syndrome, type 3 (NPHS3). Also called: NEPHROTIC SYNDROME, EARLY-ONSET, TYPE 3. Identifiers: Orphanet 656, MedGen C1853124, MONDO:0012546, OMIM 610725.

Allele frequency attached by ClinVar (database versions not stated): ExAC 0.00002; gnomAD 0.00003; TOPMed 0.00003; ESP Exome Variant Server 0.00008.
gnomAD v4.1: 18 of 1,613,944 alleles (0.0011%); highest among the groups gnomAD compares: Admixed American, 0.0067%; no homozygotes.

Submissions (3):

Ambry Genetics
Classification: Uncertain significance for Inborn genetic diseases. Last evaluated: 2025-09-25. Review status: criteria provided, single submitter. Criteria: Ambry Variant Classification Scheme 2023. Collection method: clinical testing. Allele origin: germline.

Fulgent Genetics
Classification: Uncertain significance for Nephrotic syndrome, type 3. Last evaluated: 2024-05-31. Review status: criteria provided, single submitter. Criteria: ACMG Guidelines, 2015. Collection method: clinical testing. Allele origin: germline.

Labcorp Genetics (formerly Invitae), Labcorp
Classification: Uncertain significance. Last evaluated: 2022-06-08. Review status: criteria provided, single submitter. Criteria: Invitae Variant Classification Sherloc (09022015). Collection method: clinical testing. Allele origin: germline.
Comment: In summary, the available evidence is currently insufficient to determine the role of this variant in disease. Therefore, it has been classified as a Variant of Uncertain Significance. Algorithms developed to predict the effect of missense changes on protein structure and function are either unavailable or do not agree on the potential impact of this missense change (SIFT: "Tolerated"; PolyPhen-2: "Probably Damaging"; Align-GVGD: "Class C0"). This variant has not been reported in the literature in individuals affected with PLCE1-related conditions. This variant is present in population databases (rs374847453, gnomAD 0.007%). This sequence change replaces arginine, which is basic and polar, with histidine, which is basic and polar, at codon 879 of the PLCE1 protein (p.Arg879His).

NM_016341.4(PLCE1):c.2636G>A (p.Arg879His)

Gene: PLCE1 (phospholipase C epsilon 1; plus strand). Cytogenetic location: 10q23.33.
Variant type: single nucleotide variant.
Coding change: c.2636G>A on transcript NM_016341.4 (MANE Select); coding-DNA position 2636, G replaced by A.
Protein change: p.Arg879His; replaces arginine 879 with histidine.
Molecular consequence: missense variant.
Genome position (GRCh38, 1-based): chr10:94,246,161, G>A. VCF-style: chr10-94246161-G-A. GRCh37 (hg19) VCF-style: chr10-96005918-G-A.
Other names: c.1712G>A, p.Arg571His (NM_001165979.2); c.2636G>A, p.Arg879His (NM_001288989.2); c.2636G>A (NM_016341.3); short protein forms R879H, R571H.
Identifiers: ClinVar variation 1898045 (VCV001898045.7), dbSNP rs374847453, ClinGen allele CA5612695.